The following is an entry in ClinVar:

ClinVar aggregate classification (germline): Pathogenic. Review status: criteria provided, multiple submitters, no conflicts (2 of 4 stars). 4 submissions from 4 submitters: Pathogenic (3). 1 of the submissions does not count toward it. Last evaluated 2026-02-03.

Conditions:
ELN-related disorder.
Supravalvar aortic stenosis (SVAS). Also called: Supravalvar aortic stenosis, Eisenberg type. Identifiers: Orphanet 3193, MedGen C0003499, MONDO:0008504, OMIM 185500, HP:0004381.
Cutis laxa, autosomal dominant 1 (ADCL1). Also called: ELN-Related Cutis Laxa. Identifiers: Orphanet 90348, MedGen C3276539, MONDO:0007411, OMIM 123700. Disease mechanism: Dominant Negative.

Submissions (4):

PreventionGenetics, part of Exact Sciences
Classification: Pathogenic for ELN-related condition. Last evaluated: 2026-02-03. Review status: criteria provided, single submitter. Criteria: ACMG Guidelines, 2015. Collection method: clinical testing. Allele origin: germline.
Comment: The ELN c.2058delA variant is predicted to result in a frameshift and premature protein termination (p.Gly688Valfs*63). This variant, also described as c.2244delA (p.Gly750Valfs*63) in NM_001278939, has been reported in many individuals and families with autosomal dominant cutis laxa (reported as "delA in codon 748" in Tassabehji et al. 1998. PubMed ID: 9580666; reported as "c.2262del" in Hadj-Rabia et al. 2013. PubMed ID: 23442826). This variant has not been reported in a large population database (gnomAD), indicating this variant is rare. Frameshift variants in ELN are expected to be pathogenic. This variant is interpreted as pathogenic.

Genomic Medicine Lab, University of California San Francisco
Classification: Pathogenic for Supravalvar aortic stenosis. Last evaluated: 2020-04-16. Review status: criteria provided, single submitter. Criteria: ACMG Guidelines, 2015. Collection method: clinical testing. Allele origin: maternal. Inheritance: Autosomal dominant inheritance. Affected: yes. Study: CSER-P3EGS.

GeneDx
Classification: Pathogenic. Last evaluated: 2016-02-16. Review status: criteria provided, single submitter. Criteria: GeneDx Variant Classification (06012015). Collection method: clinical testing. Allele origin: germline. Affected: yes.
Comment: The c.2058delA pathogenic variant in the ELN gene, also reported as c.2262delA due to alternative nomenclature, has been reported previously in association with cutis laxa (Tassabehji et al., 1998; Hadj-Rabia et al., 2013). The c.2058delA variant causes a frameshift starting with codon Glycine 688, changes this amino acid to a Valine residue, and creates a premature Stop codon at position 63 of the new reading frame, denoted p.Gly688ValfsX63. This frameshift variant replaces the typical last 37 amino acid residues in the ELN protein with 62 incorrect amino acid residues and may result in a protein with altered structure or function. The c.2058delA variant was not observed in approximately 6,500 individuals of European and African American ancestry in the NHLBI Exome Sequencing Project, indicating it is not a common benign variant in these populations. We interpret c.2058delA as a pathogenic variant.

OMIM
Classification: Pathogenic for CUTIS LAXA, AUTOSOMAL DOMINANT 1. Last evaluated: 1998-06-01. Review status: no assertion criteria provided. Collection method: literature only. Allele origin: germline. Not counted in ClinVar's aggregate classification.

Literature cited by the submitters: PubMed 9580666 (cited by OMIM).

NM_000501.4(ELN):c.2058del (p.Gly688fs)

Gene: ELN (elastin; plus strand). Cytogenetic location: 7q11.23.
Variant type: Deletion.
Coding change: c.2058del on transcript NM_000501.4 (MANE Select); coding-DNA position 2058, one base deleted (A; older notation c.2058delA).
Protein change: p.Gly688fs; shifts the reading frame from glycine 688.
Molecular consequence: frameshift variant. On other transcripts: intron variant (6).
Genome position (GRCh38, 1-based): chr7:74,065,969, A deleted. VCF-style (leftmost placement, unchanged base first): chr7-74065968-TA-T. GRCh37 (hg19) VCF-style: chr7-73480298-TA-T.
Other names: c.2001del, p.Gly669fs (NM_001081755.3); c.1815del, p.Gly607fs (NM_001278913.2); c.1986del, p.Gly664fs (NM_001278914.2); c.2076del, p.Gly694fs (NM_001278915.2); c.2028del, p.Gly678fs (NM_001278917.2); c.2244del, p.Gly750fs (NM_001278939.2); c.2047+237del (NM_001081754.3); c.1990+237del (NM_001081753.3); and 5 more; short protein forms G664fs, G669fs, G678fs, G688fs, G750fs, G607fs, G694fs.
Identifiers: ClinVar variation 265121 (VCV000265121.7), dbSNP rs886039351, ClinGen allele CA10588435.
Genomic context (GRCh38, chr7:74,065,968, plus strand): 5'-GGGTGTCTTATCCTGACCCCACCTGCCTCTTCTCAGGTGCTGCTGGCCTTGGAGGTGTCC[TA>T]GGGGGTGCCGGGCAGTTCCCACTTGGAGGTAGGGGTGGCCAGCTCTGCTACGTAGTCCTC-3'